The following is an entry in ClinVar:

NM_001278716.2(FBXL4):c.1194G>A (p.Glu398=)

Gene: FBXL4 (F-box and leucine rich repeat protein 4; minus strand). Cytogenetic location: 6q16.1.
Variant type: single nucleotide variant.
Coding change: c.1194G>A on transcript NM_001278716.2 (MANE Select); coding-DNA position 1194, G replaced by A.
Protein change: p.Glu398=; no amino-acid change (glutamic acid 398 retained).
Molecular consequence: synonymous variant. On other transcripts: non-coding transcript variant (2).
Genome position (GRCh38, 1-based): chr6:98,899,391, C>T on the plus strand (G>A on the coding strand, the complement: FBXL4 is on the minus strand). VCF-style: chr6-98899391-C-T. GRCh37 (hg19) VCF-style: chr6-99347267-C-T.
Other names: c.1194G>A, p.Glu398= (NM_012160.5).
Identifiers: ClinVar variation 437710 (VCV000437710.1), dbSNP rs762144154, ClinGen allele CA3933506.

ClinVar aggregate classification (germline): Uncertain significance (1 of 4 stars; one submission).

Conditions:
Mitochondrial DNA depletion syndrome 13. Also called: FBXL4-Related Encephalomyopathic Mitochondrial DNA Depletion Syndrome; Mitochondrial DNA depletion syndrome 13 (encephalomyopathic type). Identifiers: Orphanet 369897, MedGen C3809592, MONDO:0014198, OMIM 615471.

Allele frequency attached by ClinVar (database versions not stated): gnomAD exomes below 0.00001 and 0.00001; ExAC 0.00001; gnomAD 0.00001; TOPMed 0.00001.
gnomAD v4.1: 4 of 1,613,816 alleles (0.00025%); highest among the groups gnomAD compares: Admixed American, 0.0017%; no homozygotes.

Submission:

Wong Mito Lab, Molecular and Human Genetics, Baylor College of Medicine
Classification: Uncertain significance for Mitochondrial DNA depletion syndrome 13. Last evaluated: 2017-08-10. Review status: criteria provided, single submitter. Criteria: ACMG Guidelines, 2015. Collection method: reference population. Allele origin: germline.
Comment: The NM_012160.4:c.1194G>A (NP_036292.2:p.Glu398=) [GRCH38: NC_000006.12:g.98899391C>T] variant in FBXL4 gene is interpretated to be a Uncertain Significance - Conflicting Evidence based on ACMG guidelines (PMID: 25741868). This variant meets one or more of the following evidence codes reported in the ACMG-guideline. PM2:This variant is absent in key population databases. BP4:Computational evidence/predictors indicate no impact on the FBXL4 structure, function, or protein-protein interaction. BP7:The variant is silent with non predicted splice impact. Based on this evidence code ClinGen Pathogenicity Calculator (PMID:28081714) suggested that the variant is Uncertain Significance - Conflicting Evidence.